The following is an entry in ClinVar:

ClinVar aggregate classification (germline): Likely pathogenic. Review status: criteria provided, multiple submitters, no conflicts (2 of 4 stars). 2 submissions from 2 submitters: Likely pathogenic (2). Last evaluated 2024-06-16.

Conditions:
3-methylcrotonyl-CoA carboxylase 2 deficiency. Also called: METHYLCROTONYLGLYCINURIA, TYPE II; 3 alpha methylcrotonyl-CoA carboxylase 2 deficiency; 3 alpha methylcrotonylglycinuria 2; MCC 2 deficiency; Methylcrotonylglycinuria type 2. Identifiers: Orphanet 6, MedGen C1859499, MONDO:0008862, OMIM 210210.

Submissions (2):

3billion
Classification: Likely pathogenic for 3-methylcrotonyl-CoA carboxylase 2 deficiency. Last evaluated: 2024-06-16. Review status: criteria provided, single submitter. Criteria: ACMG Guidelines, 2015. Collection method: clinical testing. Allele origin: germline. Affected: yes.
Comment: The variant is not observed in the gnomAD v4.0.0 dataset. Predicted Consequence/Location: Missense variant In silico tool predictions suggest damaging effect of the variant on gene or gene product [REVEL: 0.71 (>=0.6, sensitivity 0.68 and specificity 0.92)]. The same nucleotide change resulting in the same amino acid change has been previously reported to be associated with MCCC2-related disorder (PMID: 22030835). Different missense changes at the same codon (p.Thr556Asn, p.Thr556Ile) have been reported as pathogenic/likely pathogenic with strong evidence (ClinVar ID: VCV001483322, VCV002705221 /PMID: 25381946). Therefore, this variant is classified as Likely pathogenic according to the recommendation of ACMG/AMP guideline.

Baylor Genetics
Classification: Likely pathogenic for 3-methylcrotonyl-CoA carboxylase 2 deficiency. Last evaluated: 2024-01-30. Review status: criteria provided, single submitter. Criteria: ACMG Guidelines, 2015. Collection method: clinical testing. Allele origin: unknown.

Literature cited by the submitters: PubMed 22030835 (cited by 3billion); PubMed 25381946 (cited by 3billion).

NM_022132.5(MCCC2):c.1666A>G (p.Thr556Ala)

Gene: MCCC2 (methylcrotonyl-CoA carboxylase subunit 2; plus strand). Cytogenetic location: 5q13.2.
Variant type: single nucleotide variant.
Coding change: c.1666A>G on transcript NM_022132.5 (MANE Select); coding-DNA position 1666, A replaced by G.
Protein change: p.Thr556Ala; replaces threonine 556 with alanine.
Molecular consequence: missense variant.
Genome position (GRCh38, 1-based): chr5:71,656,834, A>G. VCF-style: chr5-71656834-A-G. GRCh37 (hg19) VCF-style: chr5-70952661-A-G.
Other names: c.1552A>G, p.Thr518Ala (NM_001363147.1); short protein forms T518A, T556A.
Identifiers: ClinVar variation 3241901 (VCV003241901.2), dbSNP rs1580337435.